The following is an entry in ClinVar:

NM_003466.4(PAX8):c.457_458del (p.Leu153fs)

Genes: PAX8 (paired box 8; minus strand), PAX8-AS1 (PAX8 antisense RNA 1; plus strand). Cytogenetic location: 2q14.1.
Variant type: Deletion.
Coding change: c.457_458del on transcript NM_003466.4 (MANE Select); coding-DNA positions 457 to 458, 2 bases deleted (CT; older notation c.457_458delCT).
Protein change: p.Leu153fs; shifts the reading frame from leucine 153.
Molecular consequence: frameshift variant.
Genome position (GRCh38, 1-based): chr2:113,242,710-113,242,711, AG deleted on the plus strand (CT on the coding strand, the reverse complement: PAX8 is on the minus strand). VCF-style (leftmost placement, unchanged base first): chr2-113242709-CAG-C. GRCh37 (hg19) VCF-style: chr2-114000286-CAG-C.
Other names: c.457_458del, p.Leu153fs (NM_013952.4, NM_013953.4, NM_013992.4); short protein forms L153fs.
Identifiers: ClinVar variation 915465 (VCV000915465.2), dbSNP rs1690965885, ClinGen allele CA1139657196.

ClinVar aggregate classification (germline): Pathogenic (0 of 4 stars; one submission).

Conditions:
Hypothyroidism, congenital, nongoitrous, 2 (CHNG2). Also called: Hypothyroidism, congenital, due to thyroid dysgenesis or hypoplasia. Identifiers: Orphanet 95712, MedGen C1869118, MONDO:0024264, OMIM 218700.

Submission:

Department of Pediatrics, Division of Medical Genetics, Faculty of Medicine Ramathibodi Hospital, Mahidol University
Classification: Pathogenic for Hypothyroidism, congenital, nongoitrous, 2. Last evaluated: 2020-05-14. Review status: no assertion criteria provided. Collection method: research. Allele origin: germline. Inheritance: Autosomal dominant inheritance. Affected: yes. Observed: 1 heterozygote.